The following is an entry in ClinVar:

ClinVar aggregate classification (germline): Uncertain significance. Review status: criteria provided, multiple submitters, no conflicts (2 of 4 stars). 2 submissions from 2 submitters: Uncertain significance (2). Last evaluated 2025-07-28.

Conditions:
Inborn genetic diseases. Identifiers: MedGen C0950123, MeSH D030342.

Allele frequency attached by ClinVar (database versions not stated): gnomAD 0.00001; gnomAD exomes 0.00001 and 0.00002; TOPMed 0.00001; ExAC 0.00003.
gnomAD v4.1: 22 of 1,613,300 alleles (0.0014%); highest among the groups gnomAD compares: Middle Eastern, 0.016%; no homozygotes.

Submissions (2):

Labcorp Genetics (formerly Invitae), Labcorp
Classification: Uncertain significance. Last evaluated: 2025-07-28. Review status: criteria provided, single submitter. Criteria: Invitae Variant Classification Sherloc (09022015). Collection method: clinical testing. Allele origin: germline.
Comment: This sequence change replaces threonine, which is neutral and polar, with methionine, which is neutral and non-polar, at codon 311 of the DCHS1 protein (p.Thr311Met). This variant is present in population databases (rs773823269, gnomAD 0.006%). This variant has not been reported in the literature in individuals affected with DCHS1-related conditions. ClinVar contains an entry for this variant (Variation ID: 1509069). Invitae Evidence Modeling of protein sequence and biophysical properties (such as structural, functional, and spatial information, amino acid conservation, physicochemical variation, residue mobility, and thermodynamic stability) has been performed for this missense variant. However, the output from this modeling did not meet the statistical confidence thresholds required to predict the impact of this variant on DCHS1 protein function. In summary, the available evidence is currently insufficient to determine the role of this variant in disease. Therefore, it has been classified as a Variant of Uncertain Significance.

Ambry Genetics
Classification: Uncertain significance for Inborn genetic diseases. Last evaluated: 2021-07-13. Review status: criteria provided, single submitter. Criteria: Ambry Variant Classification Scheme 2023. Collection method: clinical testing. Allele origin: germline.

NM_003737.4(DCHS1):c.932C>T (p.Thr311Met)

Gene: DCHS1 (dachsous cadherin-related 1; minus strand). Cytogenetic location: 11p15.4.
Variant type: single nucleotide variant.
Coding change: c.932C>T on transcript NM_003737.4 (MANE Select); coding-DNA position 932, C replaced by T.
Protein change: p.Thr311Met; replaces threonine 311 with methionine.
Molecular consequence: missense variant.
Genome position (GRCh38, 1-based): chr11:6,640,682, G>A on the plus strand (C>T on the coding strand, the complement: DCHS1 is on the minus strand). VCF-style: chr11-6640682-G-A. GRCh37 (hg19) VCF-style: chr11-6661913-G-A.
Other names: c.932C>T (NM_003737.2); short protein forms T311M.
Identifiers: ClinVar variation 1509069 (VCV001509069.7), dbSNP rs773823269, ClinGen allele CA5861058.